The following is an entry in ClinVar:

ClinVar aggregate classification (germline): Likely pathogenic (1 of 4 stars; one submission).

Conditions:
Severe intellectual disability-poor language-strabismus-grimacing face-long fingers syndrome (GAND). Also called: GAND SYNDROME. Identifiers: Orphanet 363686, MedGen C3554448, MONDO:0014034, OMIM 615074.

Submission:

Department of Human Genetics, Hannover Medical School
Classification: Likely pathogenic for Severe intellectual disability-poor language-strabismus-grimacing face-long fingers syndrome. Last evaluated: 2025-01-03. Review status: criteria provided, single submitter. Criteria: ACMG Guidelines, 2015. Collection method: clinical testing. Allele origin: germline. Affected: yes.
Comment: ACMG: PVS1, PM2_Supporting

NM_020699.4(GATAD2B):c.392dup (p.Asn131fs)

Gene: GATAD2B (GATA zinc finger domain containing 2B; minus strand). Cytogenetic location: 1q21.3.
Variant type: Duplication.
Coding change: c.392dup on transcript NM_020699.4 (MANE Select); coding-DNA position 392, one base duplicated (A; older notation c.392dupA).
Protein change: p.Asn131fs; shifts the reading frame from asparagine 131.
Molecular consequence: frameshift variant.
Genome position (GRCh38, 1-based): chr1:153,819,679, T duplicated on the plus strand (A on the coding strand, the reverse complement: GATAD2B is on the minus strand); the first of 2 consecutive T bases (chr1:153,819,679-153,819,680); duplicating either gives the same sequence. VCF-style (leftmost placement, unchanged base first): chr1-153819678-A-AT. GRCh37 (hg19) VCF-style: chr1-153792154-A-AT.
Other names: short protein forms N131fs.
Identifiers: ClinVar variation 3393330 (VCV003393330.1).